The following is an entry in ClinVar:

NM_002471.4(MYH6):c.704A>G (p.Lys235Arg)

Gene: MYH6 (myosin heavy chain 6; minus strand). Cytogenetic location: 14q11.2.
Variant type: single nucleotide variant.
Coding change: c.704A>G on transcript NM_002471.4 (MANE Select); coding-DNA position 704, A replaced by G.
Protein change: p.Lys235Arg; replaces lysine 235 with arginine.
Molecular consequence: missense variant.
Genome position (GRCh38, 1-based): chr14:23,404,327, T>C on the plus strand (A>G on the coding strand, the complement: MYH6 is on the minus strand). VCF-style: chr14-23404327-T-C. GRCh37 (hg19) VCF-style: chr14-23873536-T-C.
Other names: short protein forms K235R.
Identifiers: ClinVar variation 1174846 (VCV001174846.8), dbSNP rs544293019, ClinGen allele CA257796476.
Genomic context (GRCh38, chr14:23,404,327, plus strand): 5'-GGCCACTGGGAGTGGTCAAAGGCACTCACAAAGCGGGAGGAGTTGTCGTTCCGGACAGTC[T>C]TGGCATTGCCGAAGGCCTCCAGAGCGGGGTTGGCCTGGATGATCTGGTCCTCCAGGGTGC-3'
Protein context (NP_002462.2, residues 225-245): NPALEAFGNA[Lys235Arg]TVRNDNSSRF

ClinVar aggregate classification (germline): Uncertain significance. Review status: criteria provided, multiple submitters, no conflicts (2 of 4 stars). 5 submissions from 5 submitters: Uncertain significance (2). 3 of the submissions do not count toward it. Last evaluated 2025-07-30.

Conditions:
Atrial septal defect 3 (ASD3). Identifiers: Orphanet 1478, MedGen C3279790, MONDO:0013567, OMIM 614089.
Hypertrophic cardiomyopathy 1 (CMH1). Also called: MYH7-Related Familial Hypertrophic Cardiomyopathy; Familial hypertrophic cardiomyopathy 1. Identifiers: MedGen C3495498, MONDO:0008647, OMIM 192600.
Dilated cardiomyopathy 1EE (CMD1EE). Identifiers: Orphanet 154, MedGen C2750466, MONDO:0013198, OMIM 613252.
Hypertrophic cardiomyopathy 14. Identifiers: MedGen C2750467, MONDO:0013197, OMIM 613251.
Sick sinus syndrome 3, susceptibility to (SSS3). Identifiers: Orphanet 166282, MedGen C3279791, MONDO:0013568, OMIM 614090.

Allele frequency attached by ClinVar (database versions not stated): gnomAD exomes 0.00001; TOPMed 0.00001; gnomAD 0.00002.
gnomAD v4.1: 7 of 1,614,124 alleles (0.00043%); highest among the groups gnomAD compares: Non-Finnish European, 0.00059%; no homozygotes.

Submissions (5):

Labcorp Genetics (formerly Invitae), Labcorp
Classification: Uncertain significance for Hypertrophic cardiomyopathy 14. Last evaluated: 2025-07-30. Review status: criteria provided, single submitter. Criteria: Invitae Variant Classification Sherloc (09022015). Collection method: clinical testing. Allele origin: germline.
Comment: This sequence change replaces lysine, which is basic and polar, with arginine, which is basic and polar, at codon 235 of the MYH6 protein (p.Lys235Arg). This variant is present in population databases (rs544293019, gnomAD 0.007%). This variant has not been reported in the literature in individuals affected with MYH6-related conditions. ClinVar contains an entry for this variant (Variation ID: 1174846). Invitae Evidence Modeling of protein sequence and biophysical properties (such as structural, functional, and spatial information, amino acid conservation, physicochemical variation, residue mobility, and thermodynamic stability) indicates that this missense variant is expected to disrupt MYH6 protein function with a positive predictive value of 80%. In summary, the available evidence is currently insufficient to determine the role of this variant in disease. Therefore, it has been classified as a Variant of Uncertain Significance.

Fulgent Genetics
Classification: Uncertain significance for Hypertrophic cardiomyopathy 1; Hypertrophic cardiomyopathy 14; Dilated cardiomyopathy 1EE; Atrial septal defect 3; Sick sinus syndrome 3, susceptibility to. Last evaluated: 2021-11-09. Review status: criteria provided, single submitter. Criteria: ACMG Guidelines, 2015. Collection method: clinical testing. Allele origin: unknown.

Clinical Genetics DNA and cytogenetics Diagnostics Lab, Erasmus MC, Erasmus Medical Center
Classification: Uncertain significance. Review status: no assertion criteria provided. Collection method: clinical testing. Allele origin: germline. Affected: yes. Study: VKGL Data-share Consensus. Not counted in ClinVar's aggregate classification.

Clinical Genetics, Academic Medical Center
Classification: Uncertain significance. Review status: no assertion criteria provided. Collection method: clinical testing. Allele origin: germline. Affected: yes. Study: VKGL Data-share Consensus. Not counted in ClinVar's aggregate classification.

Diagnostic Laboratory, Department of Genetics, University Medical Center Groningen
Classification: Uncertain significance. Review status: no assertion criteria provided. Collection method: clinical testing. Allele origin: germline. Affected: yes. Study: VKGL Data-share Consensus. Not counted in ClinVar's aggregate classification.